The following is an entry in ClinVar:

ClinVar aggregate classification (germline): Uncertain significance (1 of 4 stars; one submission).

gnomAD v4.1: 1 of 1,614,148 alleles (0.000062%); highest among the groups gnomAD compares: Non-Finnish European, 0.000085%; no homozygotes.

Submission:

CeGaT Center for Human Genetics Tuebingen
Classification: Uncertain significance. Last evaluated: 2024-04-01. Review status: criteria provided, single submitter. Criteria: CeGaT Center For Human Genetics Tuebingen Variant Classification Criteria Version 2. Collection method: clinical testing. Allele origin: germline. Affected: yes. Observed: 1 variant allele.
Comment: DCAF8: PM2

NM_015726.4(DCAF8):c.1162G>T (p.Ala388Ser)

Gene: DCAF8 (DDB1 and CUL4 associated factor 8; minus strand). Cytogenetic location: 1q23.2.
Variant type: single nucleotide variant.
Coding change: c.1162G>T on transcript NM_015726.4 (MANE Select); coding-DNA position 1162, G replaced by T.
Protein change: p.Ala388Ser; replaces alanine 388 with serine.
Molecular consequence: missense variant. On other transcripts: non-coding transcript variant (2).
Genome position (GRCh38, 1-based): chr1:160,225,101, C>A on the plus strand (G>T on the coding strand, the complement: DCAF8 is on the minus strand). VCF-style: chr1-160225101-C-A. GRCh37 (hg19) VCF-style: chr1-160194891-C-A.
Other names: short protein forms A388S.
Identifiers: ClinVar variation 3234736 (VCV003234736.20), dbSNP rs1290945285, ClinGen allele CA343277949.